The following is an entry in ClinVar:

ClinVar aggregate classification (germline): Pathogenic (1 of 4 stars; one submission).

Conditions:
Hereditary cancer-predisposing syndrome. Also called: Hereditary Cancer Syndrome; Hereditary neoplastic syndrome; Tumor predisposition; Neoplastic Syndromes, Hereditary. Identifiers: Orphanet 140162, MedGen C0027672, MeSH D009386, MONDO:0015356.
Cardiovascular phenotype. Identifiers: MedGen CN230736.

Submission:

Ambry Genetics
Classification: Pathogenic for Cardiovascular phenotype; Hereditary cancer-predisposing syndrome. Last evaluated: 2024-12-02. Review status: criteria provided, single submitter. Criteria: Ambry Variant Classification Scheme 2023. Collection method: clinical testing. Allele origin: germline.
Comment: The p.K250* pathogenic mutation (also known as c.748A>T), located in coding exon 8 of the LZTR1 gene, results from an A to T substitution at nucleotide position 748. This changes the amino acid from a lysine to a stop codon within coding exon 8. This alteration is expected to result in loss of function by premature protein truncation or nonsense-mediated mRNA decay. Loss-of-function variants in LZTR1 are related to an increased risk for schwannomas and autosomal recessive Noonan syndrome; however, such associations with autosomal dominant Noonan syndrome have not been observed (Piotrowski A et al. Nat Genet. 2014 Feb;46:182-7; Yamamoto GL et al. J Med Genet. 2015 Jun;52:413-21; Johnston JJ et al. Genet Med. 2018 10;20:1175-1185). Based on the supporting evidence, this variant is pathogenic for an increased risk of LZTR1-related schwannomatosis (SWN) and would be expected to cause autosomal recessive Noonan syndrome when present along with a second pathogenic or likely pathogenic variant on the other allele; however, the association of this alteration with autosomal dominant Noonan syndrome is unlikely.

NM_006767.4(LZTR1):c.748A>T (p.Lys250Ter)

Gene: LZTR1 (leucine zipper like post translational regulator 1; plus strand). Cytogenetic location: 22q11.21.
Variant type: single nucleotide variant.
Coding change: c.748A>T on transcript NM_006767.4 (MANE Select); coding-DNA position 748, A replaced by T.
Protein change: p.Lys250Ter; replaces lysine 250 with a stop codon.
Molecular consequence: nonsense.
Genome position (GRCh38, 1-based): chr22:20,990,482, A>T. VCF-style: chr22-20990482-A-T. GRCh37 (hg19) VCF-style: chr22-21344771-A-T.
Other names: short protein forms K250*.
Identifiers: ClinVar variation 3541700 (VCV003541700.1).